The following is an entry in ClinVar:

ClinVar aggregate classification (germline): Benign/Likely benign. Review status: criteria provided, multiple submitters, no conflicts (2 of 4 stars). 2 submissions from 2 submitters: Benign (1); Likely benign (1). Last evaluated 2024-12-31.

Conditions:
Lynch syndrome 5 (LYNCH5). Also called: Colorectal cancer, hereditary nonpolyposis, type 5; Hereditary non-polyposis colorectal cancer, type 5. Identifiers: Orphanet 144, MedGen C1833477, MONDO:0013710, OMIM 614350. Disease mechanism: loss of function.
Hereditary cancer-predisposing syndrome. Also called: Hereditary neoplastic syndrome; Hereditary Cancer Syndrome; Neoplastic Syndromes, Hereditary; Tumor predisposition. Identifiers: Orphanet 140162, MedGen C0027672, MeSH D009386, MONDO:0015356.

Submissions (2):

Myriad Genetics, Inc.
Classification: Benign for Lynch syndrome 5. Last evaluated: 2024-12-31. Review status: criteria provided, single submitter. Criteria: Myriad Autosomal Dominant, Autosomal Recessive and X-Linked Classification Criteria (2023). Collection method: clinical testing. Allele origin: unknown.
Comment: This variant is considered benign. This variant is a silent/synonymous amino acid change and it is not expected to impact splicing.

Color Diagnostics, LLC DBA Color Health
Classification: Likely benign for Hereditary cancer-predisposing syndrome. Last evaluated: 2022-02-08. Review status: criteria provided, single submitter. Criteria: ACMG Guidelines, 2015. Collection method: clinical testing. Allele origin: germline.

NM_000179.3(MSH6):c.2493C>G (p.Pro831=)

Gene: MSH6 (mutS homolog 6; plus strand). Cytogenetic location: 2p16.3.
Variant type: single nucleotide variant.
Coding change: c.2493C>G on transcript NM_000179.3 (MANE Select); coding-DNA position 2493, C replaced by G.
Protein change: p.Pro831=; no amino-acid change (proline 831 retained).
Molecular consequence: synonymous variant. On other transcripts: non-coding transcript variant (5), intron variant (3).
Genome position (GRCh38, 1-based): chr2:47,800,476, C>G. VCF-style: chr2-47800476-C-G. GRCh37 (hg19) VCF-style: chr2-48027615-C-G.
Other names: c.2103C>G, p.Pro701= (NM_001281492.2); c.1587C>G, p.Pro529= (NM_001281493.2, NM_001281494.2, NM_001406811.1 and 6 more transcripts); c.2589C>G, p.Pro863= (NM_001406795.1, NM_001406802.1); c.2493C>G, p.Pro831= (NM_001406796.1, NM_001406798.1, NM_001406800.1 and 2 more transcripts); c.2196C>G, p.Pro732= (NM_001406797.1, NM_001406801.1, NM_001406805.1 and 10 more transcripts); c.1968C>G, p.Pro656= (NM_001406799.1, NM_001406806.1, NM_001406807.1); c.2415C>G, p.Pro805= (NM_001406804.1); c.2499C>G, p.Pro833= (NM_001406813.1); and 4 more.
Identifiers: ClinVar variation 2773649 (VCV002773649.3), dbSNP rs778911612, ClinGen allele CA426121507.